The following is an entry in ClinVar:

ClinVar aggregate classification (germline): Uncertain significance. Review status: criteria provided, multiple submitters, no conflicts (2 of 4 stars). 2 submissions from 2 submitters: Uncertain significance (2). Last evaluated 2025-04-14.

Conditions:
Multiple endocrine neoplasia, type 1 (MEN1). Also called: MEN I; WERMER SYNDROME; Endocrine adenomatosis multiple; MEN 1; MEA I. Identifiers: Orphanet 652, MedGen C0025267, MeSH D018761, MONDO:0007540, OMIM 131100.

Submissions (2):

Labcorp Genetics (formerly Invitae), Labcorp
Classification: Uncertain significance for Multiple endocrine neoplasia, type 1. Last evaluated: 2025-04-14. Review status: criteria provided, single submitter. Criteria: Invitae Variant Classification Sherloc (09022015). Collection method: clinical testing. Allele origin: germline.
Comment: This variant, c.1391_1405dup, results in the insertion of 5 amino acid(s) of the MEN1 protein (p.Ala464_Glu468dup), but otherwise preserves the integrity of the reading frame. This variant is not present in population databases (gnomAD no frequency). This variant has not been reported in the literature in individuals affected with MEN1-related conditions. ClinVar contains an entry for this variant (Variation ID: 1477380). In summary, the available evidence is currently insufficient to determine the role of this variant in disease. Therefore, it has been classified as a Variant of Uncertain Significance.

All of Us Research Program, National Institutes of Health
Classification: Uncertain significance for Multiple endocrine neoplasia, type 1. Last evaluated: 2023-06-26. Review status: criteria provided, single submitter. Criteria: ACMG Guidelines, 2015. Collection method: clinical testing. Allele origin: germline. Inheritance: Autosomal dominant inheritance. Observed: 1 variant allele, 1 heterozygote.
Comment: This variant causes the in-frame duplication of 5 amino acids (p.Ala464_Glu468) in the MEN1 protein. To our knowledge, functional studies have not been reported for this variant. This variant has not been reported in individuals affected with MEN1-related disorders in the literature. This variant has not been identified in the general population by the Genome Aggregation Database (gnomAD). The available evidence is insufficient to determine the role of this variant in disease conclusively. Therefore, this variant is classified as a Variant of Uncertain Significance.

This study involves interpretation of variants in research participants for the purpose of population health screening. Participant phenotype was not available at the time of variant classification. Additional details can be found in publication PMID: 35346344, PMCID: PMC8962531

NM_001370259.2(MEN1):c.1391_1405dup (p.Ala464_Glu468dup)

Gene: MEN1 (menin 1; minus strand). Cytogenetic location: 11q13.1.
Variant type: Duplication.
Coding change: c.1391_1405dup on transcript NM_001370259.2 (MANE Select); coding-DNA positions 1391 to 1405, 15 bases duplicated (CGGCCGAGGCCGAGG).
Protein change: p.Ala464_Glu468dup.
Molecular consequence: inframe insertion.
Genome position (GRCh38, 1-based): chr11:64,804,762-64,804,776, CCTCGGCCTCGGCCG duplicated on the plus strand (CGGCCGAGGCCGAGG on the coding strand, the reverse complement: MEN1 is on the minus strand); duplicating any 15 consecutive bases within chr11:64,804,762-64,804,786 gives the same sequence; the c. name uses the placement nearest the transcript's 3' end. VCF-style (leftmost placement, unchanged base first): chr11-64804761-T-TCCTCGGCCTCGGCCG. GRCh37 (hg19) VCF-style: chr11-64572233-T-TCCTCGGCCTCGGCCG.
Other names: c.1406_1420dup, p.Ala469_Glu473dup (NM_130804.3, NM_000244.4, NM_130800.3 and 3 more transcripts); c.1517_1531dup, p.Ala506_Glu510dup (NM_001370251.2); c.1391_1405dup, p.Ala464_Glu468dup (NM_001370260.2, NM_001370261.2, NM_130799.3); c.1286_1300dup, p.Ala429_Glu433dup (NM_001370262.2, NM_001370263.2).
Identifiers: ClinVar variation 1477380 (VCV001477380.8), dbSNP rs1592633626, ClinGen allele CA2573147438.